The following is an entry in ClinVar:

NM_004260.4(RECQL4):c.1487T>G (p.Ile496Ser)

Gene: RECQL4 (RecQ like helicase 4; minus strand). Cytogenetic location: 8q24.3.
Variant type: single nucleotide variant.
Coding change: c.1487T>G on transcript NM_004260.4 (MANE Select); coding-DNA position 1487, T replaced by G.
Protein change: p.Ile496Ser; replaces isoleucine 496 with serine.
Molecular consequence: missense variant.
Genome position (GRCh38, 1-based): chr8:144,515,069, A>C on the plus strand (T>G on the coding strand, the complement: RECQL4 is on the minus strand). VCF-style: chr8-144515069-A-C. GRCh37 (hg19) VCF-style: chr8-145740453-A-C.
Other names: c.1391T>G, p.Ile464Ser (NM_001413017.1, NM_001413020.1); c.1487T>G, p.Ile496Ser (NM_001413018.1, NM_001413019.1, NM_001413033.1 and 1 more transcripts); c.416T>G, p.Ile139Ser (NM_001413021.1, NM_001413022.1, NM_001413023.1 and 7 more transcripts); c.1358T>G, p.Ile453Ser (NM_001413025.1); c.350T>G, p.Ile117Ser (NM_001413027.1, NM_001413030.1, NM_001413031.1 and 2 more transcripts); c.1136T>G, p.Ile379Ser (NM_001413029.1); c.20T>G, p.Ile7Ser (NM_001413043.1); short protein forms I139S, I379S, I7S, I117S, I453S, I496S, I464S.
Identifiers: ClinVar variation 2114854 (VCV002114854.4), dbSNP rs772318434, ClinGen allele CA372684350.
Genomic context (GRCh38, chr8:144,515,069, plus strand): 5'-GCTGGGAGCTGGTAGCACAGGGACTTGCCGGCACCTGTAGGCAGCACCAGCAGCGTGGAG[A>C]TGCCTGGATGGGGCGGGAGTCAGCAGCAGGGTTCTGCAGCCTGGCCTCAGCCCAGCCTCA-3'
Protein context (NP_004251.4, residues 486-506): ERAVMRILSG[Ile496Ser]STLLVLPTGA

ClinVar aggregate classification (germline): Uncertain significance (1 of 4 stars; one submission).

Conditions:
Baller-Gerold syndrome (BGS). Also called: CRANIOSYNOSTOSIS WITH RADIAL DEFECTS. Identifiers: Orphanet 1225, MedGen C0265308, MONDO:0009039, OMIM 218600.

Submission:

Labcorp Genetics (formerly Invitae), Labcorp
Classification: Uncertain significance for Baller-Gerold syndrome. Last evaluated: 2022-03-20. Review status: criteria provided, single submitter. Criteria: Invitae Variant Classification Sherloc (09022015). Collection method: clinical testing. Allele origin: germline.
Comment: In summary, the available evidence is currently insufficient to determine the role of this variant in disease. Therefore, it has been classified as a Variant of Uncertain Significance. Algorithms developed to predict the effect of sequence changes on RNA splicing suggest that this variant may create or strengthen a splice site. This variant has not been reported in the literature in individuals affected with RECQL4-related conditions. This variant is not present in population databases (gnomAD no frequency). This sequence change replaces isoleucine, which is neutral and non-polar, with serine, which is neutral and polar, at codon 496 of the RECQL4 protein (p.Ile496Ser).